The following is an entry in ClinVar:

NM_032603.5(LOXL3):c.1037G>A (p.Arg346Gln)

Gene: LOXL3 (lysyl oxidase like 3; minus strand). Cytogenetic location: 2p13.1.
Variant type: single nucleotide variant.
Coding change: c.1037G>A on transcript NM_032603.5 (MANE Select); coding-DNA position 1037, G replaced by A.
Protein change: p.Arg346Gln; replaces arginine 346 with glutamine.
Molecular consequence: missense variant. On other transcripts: 5 prime UTR variant (1).
Genome position (GRCh38, 1-based): chr2:74,536,347, C>T on the plus strand (G>A on the coding strand, the complement: LOXL3 is on the minus strand). VCF-style: chr2-74536347-C-T. GRCh37 (hg19) VCF-style: chr2-74763474-C-T.
Other names: c.602G>A, p.Arg201Gln (NM_001289164.3); c.-47G>A (NM_001289165.2); c.1037G>A (NM_032603.2); short protein forms R201Q, R346Q.
Identifiers: ClinVar variation 1383132 (VCV001383132.6), dbSNP rs762973031, ClinGen allele CA1729000.

ClinVar aggregate classification (germline): Uncertain significance. Review status: criteria provided, multiple submitters, no conflicts (2 of 4 stars). 2 submissions from 2 submitters: Uncertain significance (2). Last evaluated 2023-05-28.

Allele frequency attached by ClinVar (database versions not stated): gnomAD exomes 0.00004 and 0.00012; ExAC 0.00006; TOPMed 0.00006; gnomAD 0.00007.
gnomAD v4.1: 187 of 1,613,982 alleles (0.012%); highest among the groups gnomAD compares: Non-Finnish European, 0.014%; no homozygotes.

Submissions (2):

Ambry Genetics
Classification: Uncertain significance. Last evaluated: 2023-05-28. Review status: criteria provided, single submitter. Criteria: Ambry Variant Classification Scheme 2023. Collection method: clinical testing. Allele origin: germline.

Labcorp Genetics (formerly Invitae), Labcorp
Classification: Uncertain significance. Last evaluated: 2022-06-09. Review status: criteria provided, single submitter. Criteria: Invitae Variant Classification Sherloc (09022015). Collection method: clinical testing. Allele origin: germline.
Comment: This sequence change replaces arginine, which is basic and polar, with glutamine, which is neutral and polar, at codon 346 of the LOXL3 protein (p.Arg346Gln). This variant is present in population databases (rs762973031, gnomAD 0.007%). This variant has not been reported in the literature in individuals affected with LOXL3-related conditions. Algorithms developed to predict the effect of missense changes on protein structure and function (SIFT, PolyPhen-2, Align-GVGD) all suggest that this variant is likely to be disruptive. In summary, the available evidence is currently insufficient to determine the role of this variant in disease. Therefore, it has been classified as a Variant of Uncertain Significance.